The following is an entry in ClinVar:

NM_025132.4(WDR19):c.3566-2A>C

Gene: WDR19 (WD repeat domain 19; plus strand). Cytogenetic location: 4p14.
Variant type: single nucleotide variant.
Coding change: c.3566-2A>C on transcript NM_025132.4 (MANE Select); the canonical splice acceptor site of the intron before coding-DNA position 3566, A replaced by C.
Molecular consequence: splice acceptor variant.
Genome position (GRCh38, 1-based): chr4:39,274,806, A>C. VCF-style: chr4-39274806-A-C. GRCh37 (hg19) VCF-style: chr4-39276426-A-C.
Other names: c.3086-2A>C (NM_001317924.2).
Identifiers: ClinVar variation 4854230 (VCV004854230.1).

ClinVar aggregate classification (germline): Pathogenic (1 of 4 stars; one submission).

Conditions:
Nephronophthisis 13 (NPHP13). Identifiers: Orphanet 655, MedGen C3280612, MONDO:0013718, OMIM 614377.

Submission:

3billion
Classification: Pathogenic for Nephronophthisis 13. Last evaluated: 2025-07-19. Review status: criteria provided, single submitter. Criteria: ACMG Guidelines, 2015. Collection method: clinical testing. Allele origin: germline. Affected: yes.
Comment: The variant is not observed in the gnomAD v4.1.0 dataset. Predicted Consequence/Location: Canonical splice site: predicted to alter splicing and result in a loss or disruption of normal protein function. Multiple pathogenic loss-of-function variants are reported downstream of the variant. In silico tools predict the variant to alter splicing and produce an abnormal transcript [SpliceAI: 0.97 (spliceogenicity >=0.2, non-spliceogenicity <0.1)]. Therefore, this variant is classified as Pathogenic according to the recommendation of ACMG/AMP guideline.